The following is an entry in ClinVar:

ClinVar aggregate classification (germline): Uncertain significance (1 of 4 stars; one submission).

Allele frequency attached by ClinVar (database versions not stated): TOPMed below 0.00001; gnomAD exomes 0.00001.
gnomAD v4.1: 4 of 1,551,762 alleles (0.00026%); highest among the groups gnomAD compares: East Asian, 0.0024%; no homozygotes.

Submission:

GeneDx
Classification: Uncertain significance. Last evaluated: 2024-02-22. Review status: criteria provided, single submitter. Criteria: GeneDx Variant Classification Process June 2021. Collection method: clinical testing. Allele origin: germline. Affected: yes.
Comment: Not observed at significant frequency in large population cohorts (gnomAD); In silico analysis supports that this missense variant does not alter protein structure/function; Has not been previously published as pathogenic or benign to our knowledge

NM_001134363.3(RBM20):c.2287G>A (p.Glu763Lys)

Gene: RBM20 (RNA binding motif protein 20; plus strand). Cytogenetic location: 10q25.2.
Variant type: single nucleotide variant.
Coding change: c.2287G>A on transcript NM_001134363.3 (MANE Select); coding-DNA position 2287, G replaced by A.
Protein change: p.Glu763Lys; replaces glutamic acid 763 with lysine.
Molecular consequence: missense variant.
Genome position (GRCh38, 1-based): chr10:110,812,684, G>A. VCF-style: chr10-110812684-G-A. GRCh37 (hg19) VCF-style: chr10-112572442-G-A.
Other names: p.E763K:GAG>AAG; c.2287G>A (LRG_382t1); short protein forms E763K.
Identifiers: ClinVar variation 202067 (VCV000202067.3), dbSNP rs794729152, ClinGen allele CA335559.